The following is an entry in ClinVar:

NM_001127898.4(CLCN5):c.1196G>A (p.Gly399Asp)

Gene: CLCN5 (Cl-/H+ antiporter 5; plus strand). Cytogenetic location: Xp11.23.
Variant type: single nucleotide variant.
Coding change: c.1196G>A on transcript NM_001127898.4 (MANE Select); coding-DNA position 1196, G replaced by A.
Protein change: p.Gly399Asp; replaces glycine 399 with aspartic acid.
Molecular consequence: missense variant. On other transcripts: non-coding transcript variant (1).
Genome position (GRCh38, 1-based): chrX:50,086,509, G>A. VCF-style: chrX-50086509-G-A. GRCh37 (hg19) VCF-style: chrX-49851166-G-A.
Other names: c.986G>A, p.Gly329Asp (NM_000084.5); c.1196G>A, p.Gly399Asp (NM_001127899.4); c.1046G>A, p.Gly349Asp (NM_001282163.2); c.1208G>A, p.Gly403Asp (NM_001440756.1, NM_001440757.1); short protein forms G329D, G349D, G399D, G403D.
Identifiers: ClinVar variation 4885560 (VCV004885560.2).

ClinVar aggregate classification (germline): Uncertain significance (1 of 4 stars; one submission).

Submission:

Dasa
Classification: Uncertain significance. Last evaluated: 2025-06-02. Review status: criteria provided, single submitter. Criteria: DASA Assertion Criteria. Collection method: clinical testing. Allele origin: germline.
Comment: NM_001127898.4(CLCN5):c.1196G>A (p.Gly399Asp) is a missense variant that results in the substitution of glycine with aspartic acid. This variant is absent from population databases. Computational prediction algorithms are consistent with a deleterious effect. The currently available literature and clinical evidence are not sufficient to establish a definitive association between this variant and the reported condition. Therefore, this variant is classified as a variant of uncertain significance.